The following is an entry in ClinVar:

ClinVar aggregate classification (germline): Benign (0 of 4 stars; one submission).

Conditions:
ZFHX3-related disorder. Also called: ZFHX3-related condition.

Submission:

PreventionGenetics, part of Exact Sciences
Classification: Benign for ZFHX3-related condition. Last evaluated: 2019-12-06. Review status: no assertion criteria provided. Collection method: clinical testing. Allele origin: germline.
Comment: This variant is classified as benign based on ACMG/AMP sequence variant interpretation guidelines (Richards et al. 2015 PMID: 25741868, with internal and published modifications).

NM_006885.4(ZFHX3):c.10558GGC[10] (p.Gly3527_Ser3528insGlyGly)

Genes: ZFHX3 (zinc finger homeobox 3; minus strand), ZFHX3-AS1 (ZFHX3 antisense RNA 1; plus strand). Cytogenetic location: 16q22.2.
Variant type: Microsatellite.
Coding change: c.10558GGC[10] on transcript NM_006885.4 (MANE Select); ten copies in a row of the 3-base unit GGC starting at c.10558; the reference has eight copies in a row; two copies, 6 bases duplicated.
Protein change: p.Gly3527_Ser3528insGlyGly.
Molecular consequence: inframe insertion.
Genome position (GRCh38, 1-based): chr16:72,787,695-72,787,700, GCCGCC duplicated on the plus strand (GGCGGC on the coding strand, the reverse complement: ZFHX3 is on the minus strand); duplicating any 6 consecutive bases within chr16:72,787,695-72,787,718 gives the same sequence; the position shown is the placement nearest the transcript's 3' end. VCF-style (leftmost placement, unchanged base first): chr16-72787694-A-AGCCGCC. GRCh37 (hg19) VCF-style: chr16-72821593-A-AGCCGCC.
Other names: c.7816GGC[10], p.Gly2613_Ser2614insGlyGly (NM_001164766.2); c.10558GGC[10], p.Gly3527_Ser3528insGlyGly (NM_001386735.1); c.10576_10581dup6 (NM_006885.3).
Identifiers: ClinVar variation 3037355 (VCV003037355.2), dbSNP rs374416547, ClinGen allele CA8162366.